The following is an entry in ClinVar:

NM_000632.4(ITGAM):c.2486G>A (p.Arg829Gln)

Gene: ITGAM (integrin subunit alpha M; plus strand). Cytogenetic location: 16p11.2.
Variant type: single nucleotide variant.
Coding change: c.2486G>A on transcript NM_000632.4 (MANE Select); coding-DNA position 2486, G replaced by A.
Protein change: p.Arg829Gln; replaces arginine 829 with glutamine.
Molecular consequence: missense variant.
Genome position (GRCh38, 1-based): chr16:31,325,385, G>A. VCF-style: chr16-31325385-G-A. GRCh37 (hg19) VCF-style: chr16-31336706-G-A.
Other names: c.2489G>A, p.Arg830Gln (NM_001145808.2); short protein forms R829Q, R830Q.
Identifiers: ClinVar variation 2900258 (VCV002900258.3), dbSNP rs201299141, ClinGen allele CA8025833.
Genomic context (GRCh38, chr16:31,325,385, plus strand): 5'-ATGGTGAGGACTCCTACAGGACACAGGTCACCTTCTTCTTCCCGCTTGACCTGTCCTACC[G>A]GAAGGTGTCCACGCTCCAGGTAGCCACATCCTTCTCAGGCTCTATCTGACCTTTGCTTCC-3'
Protein context (NP_000623.2, residues 819-839): TFFFPLDLSY[Arg829Gln]KVSTLQNQRS

ClinVar aggregate classification (germline): Uncertain significance (1 of 4 stars; one submission).

Allele frequency attached by ClinVar (database versions not stated): ExAC 0.00006; gnomAD exomes 0.00006; TOPMed 0.00009.
gnomAD v4.1: 96 of 1,613,352 alleles (0.006%); highest among the groups gnomAD compares: African/African-American, 0.011%; no homozygotes.

Submission:

Labcorp Genetics (formerly Invitae), Labcorp
Classification: Uncertain significance. Last evaluated: 2025-12-02. Review status: criteria provided, single submitter. Criteria: Invitae Variant Classification Sherloc (09022015). Collection method: clinical testing. Allele origin: germline.
Comment: This sequence change replaces arginine, which is basic and polar, with glutamine, which is neutral and polar, at codon 829 of the ITGAM protein (p.Arg829Gln). This variant is present in population databases (rs201299141, gnomAD 0.01%). This variant has not been reported in the literature in individuals affected with ITGAM-related conditions. ClinVar contains an entry for this variant (Variation ID: 2900258). An algorithm developed to predict the effect of missense changes on protein structure and function (PolyPhen-2) suggests that this variant is likely to be tolerated. In summary, the available evidence is currently insufficient to determine the role of this variant in disease. Therefore, it has been classified as a Variant of Uncertain Significance.